The following is an entry in ClinVar:

ClinVar aggregate classification (germline): Uncertain significance (1 of 4 stars; one submission).

gnomAD v4.1: 1 of 1,211,847 alleles (0.000083%); highest among the groups gnomAD compares: Non-Finnish European, 0.00011%; no homozygotes.

Submission:

GeneDx
Classification: Uncertain significance. Last evaluated: 2023-12-04. Review status: criteria provided, single submitter. Criteria: GeneDx Variant Classification Process June 2021. Collection method: clinical testing. Allele origin: germline. Affected: yes.
Comment: Not observed at significant frequency in large population cohorts (gnomAD); In silico analysis supports that this missense variant does not alter protein structure/function; Has not been previously published as pathogenic or benign to our knowledge

NM_030624.3(KLHL15):c.1310C>T (p.Ser437Phe)

Gene: KLHL15 (kelch like family member 15; minus strand). Cytogenetic location: Xp22.11.
Variant type: single nucleotide variant.
Coding change: c.1310C>T on transcript NM_030624.3 (MANE Select); coding-DNA position 1310, C replaced by T.
Protein change: p.Ser437Phe; replaces serine 437 with phenylalanine.
Molecular consequence: missense variant.
Genome position (GRCh38, 1-based): chrX:23,988,426, G>A on the plus strand (C>T on the coding strand, the complement: KLHL15 is on the minus strand). VCF-style: chrX-23988426-G-A. GRCh37 (hg19) VCF-style: chrX-24006543-G-A.
Other names: short protein forms S437F.
Identifiers: ClinVar variation 3364785 (VCV003364785.1).